The following is an entry in ClinVar:

NM_001060.6(TBXA2R):c.724G>A (p.Glu242Lys)

Gene: TBXA2R (thromboxane A2 receptor; minus strand). Cytogenetic location: 19p13.3.
Variant type: single nucleotide variant.
Coding change: c.724G>A on transcript NM_001060.6 (MANE Select); coding-DNA position 724, G replaced by A.
Protein change: p.Glu242Lys; replaces glutamic acid 242 with lysine.
Molecular consequence: missense variant.
Genome position (GRCh38, 1-based): chr19:3,599,911, C>T on the plus strand (G>A on the coding strand, the complement: TBXA2R is on the minus strand). VCF-style: chr19-3599911-C-T. GRCh37 (hg19) VCF-style: chr19-3599909-C-T.
Other names: c.724G>A, p.Glu242Lys (NM_201636.3); short protein forms E242K.
Identifiers: ClinVar variation 4744334 (VCV004744334.1).

ClinVar aggregate classification (germline): Uncertain significance (1 of 4 stars; one submission).

Submission:

Labcorp Genetics (formerly Invitae), Labcorp
Classification: Uncertain significance. Last evaluated: 2025-11-08. Review status: criteria provided, single submitter. Criteria: Invitae Variant Classification Sherloc (09022015). Collection method: clinical testing. Allele origin: germline.
Comment: This sequence change replaces glutamic acid, which is acidic and polar, with lysine, which is basic and polar, at codon 242 of the TBXA2R protein (p.Glu242Lys). This variant is not present in population databases (gnomAD no frequency). This variant has not been reported in the literature in individuals affected with TBXA2R-related conditions. Invitae Evidence Modeling of protein sequence and biophysical properties (such as structural, functional, and spatial information, amino acid conservation, physicochemical variation, residue mobility, and thermodynamic stability) indicates that this missense variant is not expected to disrupt TBXA2R protein function with a negative predictive value of 80%. In summary, the available evidence is currently insufficient to determine the role of this variant in disease. Therefore, it has been classified as a Variant of Uncertain Significance.